The following is an entry in ClinVar:

NM_001323289.2(CDKL5):c.951T>A (p.His317Gln)

Gene: CDKL5 (cyclin dependent kinase like 5; plus strand). Cytogenetic location: Xp22.13.
Variant type: single nucleotide variant.
Coding change: c.951T>A on transcript NM_001323289.2 (MANE Select); coding-DNA position 951, T replaced by A.
Protein change: p.His317Gln; replaces histidine 317 with glutamine.
Molecular consequence: missense variant.
Genome position (GRCh38, 1-based): chrX:18,598,587, T>A. VCF-style: chrX-18598587-T-A. GRCh37 (hg19) VCF-style: chrX-18616707-T-A.
Other names: c.951T>A, p.His317Gln (NM_001037343.2, NM_003159.3); short protein forms H317Q.
Identifiers: ClinVar variation 2001293 (VCV002001293.4), dbSNP rs374371309, ClinGen allele CA412356385.

ClinVar aggregate classification (germline): Uncertain significance (1 of 4 stars; one submission).

Conditions:
Developmental and epileptic encephalopathy, 2 (DEE2). Also called: INFANTILE SPASM SYNDROME, X-LINKED 2; CDKL5 deficiency disorder. Identifiers: Orphanet 1934, Orphanet 3451, Orphanet 505652, MedGen C4750718, MONDO:0010396, OMIM 300672.
Angelman syndrome-like. Identifiers: MedGen CN128785.

Submission:

Labcorp Genetics (formerly Invitae), Labcorp
Classification: Uncertain significance for Developmental and epileptic encephalopathy, 2; Angelman syndrome-like. Last evaluated: 2022-05-31. Review status: criteria provided, single submitter. Criteria: Invitae Variant Classification Sherloc (09022015). Collection method: clinical testing. Allele origin: germline.
Comment: This variant is not present in population databases (gnomAD no frequency). This variant has not been reported in the literature in individuals affected with CDKL5-related conditions. Advanced modeling of protein sequence and biophysical properties (such as structural, functional, and spatial information, amino acid conservation, physicochemical variation, residue mobility, and thermodynamic stability) performed at Invitae indicates that this missense variant is not expected to disrupt CDKL5 protein function. In summary, the available evidence is currently insufficient to determine the role of this variant in disease. Therefore, it has been classified as a Variant of Uncertain Significance. This sequence change replaces histidine, which is basic and polar, with glutamine, which is neutral and polar, at codon 317 of the CDKL5 protein (p.His317Gln).